The following continues an entry in ClinVar:

NM_032193.4(RNASEH2C):c.205C>T (p.Arg69Trp)

Gene: RNASEH2C. ClinVar aggregate classification (germline): Pathogenic/Likely pathogenic. Pathogenic (15); Likely pathogenic (3).

Submissions 13 to 20 of 20:

Kariminejad - Najmabadi Pathology & Genetics Center
Classification: Pathogenic for Abnormality of the nervous system. Last evaluated: 2021-07-10. Review status: criteria provided, single submitter. Criteria: ACMG Guidelines, 2015. Collection method: clinical testing. Allele origin: germline. Affected: yes.

GeneDx
Classification: Pathogenic. Last evaluated: 2020-12-30. Review status: criteria provided, single submitter. Criteria: GeneDx Variant Classification Process June 2021. Collection method: clinical testing. Allele origin: germline. Affected: yes.
Comment: Published functional studies demonstrate that R69W is associated with decreased enzyme activity and reduced thermal stability of RNaseH2 (Chon et al., 2009; Reijns et al., 2011); This variant is associated with the following publications: (PMID: 25604658, 31529068, 29239743, 17846997, 21177854, 19034401, 19015152, 26456534, 23322642, 20131292, 16845400, 29150899, 27391121, 24123366, 29302074, 32180488)

SIB Swiss Institute of Bioinformatics
Classification: Likely pathogenic for Aicardi-Goutieres syndrome 3. Last evaluated: 2018-05-31. Review status: criteria provided, single submitter. Criteria: ACMG Guidelines, 2015. Collection method: curation. Allele origin: unknown.
Comment: This variant is interpreted as a Likely Pathogenic, for Aicardi-Goutieres syndrome 3, in Autosomal Recessive manner. The following ACMG Tag(s) were applied: PP3 => Multiple lines of computational evidence support a deleterious effect on the gene or gene product. PP1 => Cosegregation with disease in multiple affected family members in a gene definitively known to cause the disease (PMID:23322642) (PMID:16845400). PM2 => Absent from controls (or at extremely low frequency if recessive) in Exome Sequencing Project, 1000 Genomes Project, or Exome Aggregation Consortium. PS4-Moderate => Recurrent mutation observed in multiple patients. (PMID:17846997,16845400,20131292,23322642,29150899).

Eurofins Ntd Llc (ga)
Classification: Likely pathogenic. Last evaluated: 2016-08-15. Review status: criteria provided, single submitter. Criteria: EGL Classification Definitions 2015. Collection method: clinical testing. Allele origin: germline. Observed: 1 variant allele, 1 homozygote.

Lifecell International Pvt. Ltd
Classification: Pathogenic for Aicardi-Goutieres syndrome 3. Review status: criteria provided, single submitter. Criteria: ACMG Guidelines, 2015. Collection method: clinical testing. Allele origin: germline. Inheritance: Autosomal recessive inheritance. Affected: yes. Observed: 1 homozygote.
Comment: A Homozygote Missense variant c.205C>T in Exon 2 of the RNASEH2C gene that results in the amino acid substitution p.Arg69Trp was identified. The observed variant has allele frequency of 0.00009/0.00 % in gnomAD exomes and genomes, respectively. The severity of the impact of this variant on the protein is medium, based on the effect of the protein and REVEL score . Rare Exome Variant Ensemble Learner (REVEL) is an ensembl method for predicting the pathogenicity of missense variants based on a combination of scores from 13 individual tools: MutPred, FATHMM v2.3, VEST 3.0, PolyPhen-2, SIFT, PROVEAN, MutationAssessor, MutationTaster, LRT, GERP++, SiPhy, phyloP, and phastCons. The REVEL score for an individual missense variant can range from 0 to 1, with higher scores reflecting greater likelihood that the variant is disease-causing. ClinVar has also classified this variant as Pathogenic/LikelyPathogenic(ClinVar ID: 1260). Functional studies demonstrate that R69W is associated with decreased enzyme activity and reduced thermal stability of RNaseH2 (Chon H et al., 2009). c.205C>T has been reported in the literature as a homozygous genotype in multiple individuals affected with Aicardi Goutieres Syndrome and is reported as a frequent founder mutation of Asian origin (Kaur P et al., 2021 and Rice G et al., 2007). Based on the above evidence this variant has been classified as Pathogenic according to the ACMG guidelines.

Neuberg Centre For Genomic Medicine, NCGM
Classification: Pathogenic for Aicardi-Goutieres syndrome 3. Review status: criteria provided, single submitter. Criteria: ACMG Guidelines, 2015. Collection method: clinical testing. Allele origin: germline. Inheritance: Autosomal recessive inheritance. Affected: yes.
Comment: The missense c.205C>T (p.Arg69Trp) variant in RNASEH2C gene has been reported in homozygous state in individuals affected with Aicardi-Goutieres syndrome 3 (Nishimura T et al. 2019; Hebbar M et al. 2018). Functional studies demonstrate that R69W is associated with decreased enzyme activity and reduced thermal stability of RNaseH2 (Reijns et al., 2011). The p.Arg69Trp variant has allele frequency of 0.01% in gnomAD Exomes. This variant has been reported to the ClinVar database as Likely Pathogenic / Pathogenic (multiple submissions). The reference amino acid p.Arg69Trp in RNASEH2C is predicted as conserved by GERP++ and PhyloP across 100 vertebrates. Multiple lines of computational evidence (Polyphen-damaging, SIFT-damaging and Mutation Taster- disease causing) predict a damaging effect on protein structure and function for this variant. The amino acid Arginine at position 69 is changed to a Tryptophan changing protein sequence and it might alter its composition and physico-chemical properties. For these reasons, this variant has been classified as Pathogenic.

OMIM
Classification: Pathogenic for AICARDI-GOUTIERES SYNDROME 3. Last evaluated: 2013-02-01. Review status: no assertion criteria provided. Collection method: literature only. Allele origin: germline. Not counted in ClinVar's aggregate classification.

Hong-Tao Li Lab, Institute of Brain Science and Brain-inspired Research, Shandong First Medical University & Shandong Academy of Medical Sciences China
Classification: Pathogenic for Aicardi-Goutieres syndrome 3. Review status: no assertion criteria provided. Collection method: research. Allele origin: germline. Inheritance: Autosomal recessive inheritance. Affected: yes. Observed: 1 variant allele, 1 homozygote. Not counted in ClinVar's aggregate classification.
Comment: Observed in affected individuals from a Pakistani neurodevelopmental-disorder research cohort of 263 individuals. Classification assigned using the ACMG/AMP framework. Population-frequency evidence: gnomAD AF 9.169e-05.

Literature cited by the submitters: PubMed 16845400 (cited by 4 submitters); PubMed 23322642 (cited by 4 submitters); PubMed 29150899 (cited by 4 submitters); PubMed 29239743 (cited by Labcorp Genetics (formerly Invitae), Labcorp); PubMed 19015152 (cited by 3 submitters); PubMed 19034401 (cited by Labcorp Genetics (formerly Invitae), Labcorp); PubMed 31529068 (cited by 3 submitters); PubMed 21177854 (cited by 3billion); PubMed 17846997 (cited by 5 submitters); PubMed 20131292 (cited by Victorian Clinical Genetics Services, Murdoch Childrens Research Institute and SIB Swiss Institute of Bioinformatics); PubMed 25604658 (cited by Women's Health and Genetics/Laboratory Corporation of America, LabCorp); PubMed 34302356 (cited by Women's Health and Genetics/Laboratory Corporation of America, LabCorp and Lifecell International Pvt. Ltd).